The following is an entry in ClinVar:

ClinVar aggregate classification (germline): Likely pathogenic (1 of 4 stars; one submission).

Conditions:
Hereditary cancer-predisposing syndrome. Also called: Tumor predisposition; Neoplastic Syndromes, Hereditary; Hereditary Cancer Syndrome; Hereditary neoplastic syndrome. Identifiers: Orphanet 140162, MedGen C0027672, MeSH D009386, MONDO:0015356.

Submission:

Ambry Genetics
Classification: Likely pathogenic for Hereditary cancer-predisposing syndrome. Last evaluated: 2019-10-24. Review status: criteria provided, single submitter. Criteria: Ambry Variant Classification Scheme 2023. Collection method: clinical testing. Allele origin: germline.
Comment: The c.8151+1G>C intronic variant results from a G to C substitution one nucleotide after coding exon 54 of the ATM gene. This nucleotide position is highly conserved in available vertebrate species. Using the BDGP and ESEfinder splice site prediction tools, this alteration is predicted to abolish the native splice donor site; however, direct evidence is unavailable. Alterations that disrupt the canonical splice site are expected to cause aberrant splicing, resulting in an abnormal protein or a transcript that is subject to nonsense-mediated mRNA decay. As such, this alteration is classified as likely pathogenic.

NM_000051.4(ATM):c.8151+1G>C

Genes: ATM (ATM serine/threonine kinase; plus strand), C11orf65 (chromosome 11 open reading frame 65; minus strand). Cytogenetic location: 11q22.3.
Variant type: single nucleotide variant.
Coding change: c.8151+1G>C on transcript NM_000051.4 (MANE Select); the canonical splice donor site of the intron after coding-DNA position 8151, G replaced by C.
Molecular consequence: splice donor variant. On other transcripts: intron variant (2).
Genome position (GRCh38, 1-based): chr11:108,335,110, G>C. VCF-style: chr11-108335110-G-C. GRCh37 (hg19) VCF-style: chr11-108205837-G-C.
Other names: c.641-26039C>G (NM_001330368.2); c.*38+110C>G (NM_001351110.2); c.8151+1G>C (NM_001351834.2).
Identifiers: ClinVar variation 827481 (VCV000827481.6), dbSNP rs1591192583, ClinGen allele CA382562273.